The following is an entry in ClinVar:

NM_001012759.3(CTU2):c.1478+7G>A

Gene: CTU2 (cytosolic thiouridylase subunit 2; plus strand). Cytogenetic location: 16q24.3.
Variant type: single nucleotide variant.
Coding change: c.1478+7G>A on transcript NM_001012759.3 (MANE Select); 7 bases into the intron after coding-DNA position 1478, G replaced by A.
Molecular consequence: intron variant.
Genome position (GRCh38, 1-based): chr16:88,715,113, G>A. VCF-style: chr16-88715113-G-A. GRCh37 (hg19) VCF-style: chr16-88781521-G-A.
Other names: c.1691+7G>A (NM_001318507.2); c.1420-69G>A (NM_001012762.3); c.1217+7G>A (NM_001318513.2).
Identifiers: ClinVar variation 2075525 (VCV002075525.5), dbSNP rs182790212, ClinGen allele CA8231181.

ClinVar aggregate classification (germline): Benign/Likely benign. Review status: criteria provided, multiple submitters, no conflicts (2 of 4 stars). 2 submissions from 2 submitters: Benign (1); Likely benign (1). Last evaluated 2026-08-01.

Allele frequency attached by ClinVar (database versions not stated): ESP Exome Variant Server 0.00015; gnomAD 0.00044; TOPMed 0.00053; ExAC 0.00083; 1000 Genomes Project 30x 0.00109; 1000 Genomes Project 0.00140.
gnomAD v4.1: 438 of 1,594,086 alleles (0.027%); highest among the groups gnomAD compares: East Asian, 0.71%; 2 homozygotes.

Submissions (2):

CeGaT Center for Human Genetics Tuebingen
Classification: Likely benign. Last evaluated: 2026-08-01. Review status: criteria provided, single submitter. Criteria: CeGaT Center For Human Genetics Tuebingen Variant Classification Criteria Version 2. Collection method: clinical testing. Allele origin: germline. Affected: yes. Observed: 1 variant allele.
Comment: CTU2: BP4

Labcorp Genetics (formerly Invitae), Labcorp
Classification: Benign. Last evaluated: 2025-10-14. Review status: criteria provided, single submitter. Criteria: Invitae Variant Classification Sherloc (09022015). Collection method: clinical testing. Allele origin: germline.